The following is an entry in ClinVar:

NM_004370.6(COL12A1):c.4493G>A (p.Gly1498Glu)

Gene: COL12A1 (collagen type XII alpha 1 chain; minus strand). Cytogenetic location: 6q13.
Variant type: single nucleotide variant.
Coding change: c.4493G>A on transcript NM_004370.6 (MANE Select); coding-DNA position 4493, G replaced by A.
Protein change: p.Gly1498Glu; replaces glycine 1498 with glutamic acid.
Molecular consequence: missense variant.
Genome position (GRCh38, 1-based): chr6:75,146,169, C>T on the plus strand (G>A on the coding strand, the complement: COL12A1 is on the minus strand). VCF-style: chr6-75146169-C-T. GRCh37 (hg19) VCF-style: chr6-75855885-C-T.
Other names: c.4493G>A, p.Gly1498Glu (NM_001424113.1, NM_001424114.1); c.4220G>A, p.Gly1407Glu (NM_001424115.1); c.1001G>A, p.Gly334Glu (NM_001424116.1, NM_080645.3); short protein forms G1407E, G1498E, G334E.
Identifiers: ClinVar variation 2933742 (VCV002933742.3), dbSNP rs1767182572, ClinGen allele CA364743735.

ClinVar aggregate classification (germline): Uncertain significance (1 of 4 stars; one submission).

Conditions:
Ullrich congenital muscular dystrophy 2 (UCMD2). Identifiers: Orphanet 75840, MedGen C4225314, MONDO:0014654, OMIM 616470.
Bethlem myopathy 2 (BTHLM2). Identifiers: Orphanet 536516, Orphanet 610, MedGen C4225313, MONDO:0034022, OMIM 616471.

Allele frequency attached by ClinVar (database versions not stated): TOPMed 0.00001; gnomAD 0.00001.

Submission:

Labcorp Genetics (formerly Invitae), Labcorp
Classification: Uncertain significance for Bethlem myopathy 2; Ullrich congenital muscular dystrophy 2. Last evaluated: 2025-04-19. Review status: criteria provided, single submitter. Criteria: Invitae Variant Classification Sherloc (09022015). Collection method: clinical testing. Allele origin: germline.
Comment: This sequence change replaces glycine, which is neutral and non-polar, with glutamic acid, which is acidic and polar, at codon 1498 of the COL12A1 protein (p.Gly1498Glu). This variant is not present in population databases (gnomAD no frequency). This variant has not been reported in the literature in individuals affected with COL12A1-related conditions. ClinVar contains an entry for this variant (Variation ID: 2933742). Invitae Evidence Modeling of protein sequence and biophysical properties (such as structural, functional, and spatial information, amino acid conservation, physicochemical variation, residue mobility, and thermodynamic stability) indicates that this missense variant is not expected to disrupt COL12A1 protein function with a negative predictive value of 80%. In summary, the available evidence is currently insufficient to determine the role of this variant in disease. Therefore, it has been classified as a Variant of Uncertain Significance.